The following is an entry in ClinVar:

ClinVar aggregate classification (germline): Conflicting classifications of pathogenicity. Review status: criteria provided, conflicting classifications (1 of 4 stars). 3 submissions from 3 submitters: Likely pathogenic (2); Uncertain significance (1). Last evaluated 2025-12-07.

Conditions:
Polycystic kidney disease 4 (PKD4). Also called: POLYCYSTIC KIDNEY AND HEPATIC DISEASE 1; POLYCYSTIC KIDNEY DISEASE, INFANTILE, TYPE I; PKD3; POLYCYSTIC KIDNEY DISEASE 4 WITH OR WITHOUT POLYCYSTIC LIVER DISEASE; Autosomal Recessive Polycystic Kidney Disease – PKHD1. Identifiers: MedGen C4540575, MONDO:0033004, OMIM 263200.
Autosomal recessive polycystic kidney disease (ARPKD). Also called: AR polycystic kidney disease. Identifiers: Orphanet 731, Orphanet 8378, MedGen C0085548, MeSH D017044, MONDO:0009889.

gnomAD v4.1: 51 of 1,590,584 alleles (0.0032%); highest among the groups gnomAD compares: Non-Finnish European, 0.0038%; no homozygotes.

Submissions (3):

Labcorp Genetics (formerly Invitae), Labcorp
Classification: Likely pathogenic for Autosomal recessive polycystic kidney disease. Last evaluated: 2025-12-07. Review status: criteria provided, single submitter. Criteria: Invitae Variant Classification Sherloc (09022015). Collection method: clinical testing. Allele origin: germline.
Comment: This sequence change replaces arginine, which is basic and polar, with glycine, which is neutral and non-polar, at codon 2840 of the PKHD1 protein (p.Arg2840Gly). This variant is present in population databases (rs200432861, gnomAD 0.006%). This variant has not been reported in the literature in individuals affected with PKHD1-related conditions. ClinVar contains an entry for this variant (Variation ID: 1349138). Invitae Evidence Modeling of protein sequence and biophysical properties (such as structural, functional, and spatial information, amino acid conservation, physicochemical variation, residue mobility, and thermodynamic stability) has been performed for this missense variant. However, the output from this modeling did not meet the statistical confidence thresholds required to predict the impact of this variant on PKHD1 protein function. This variant disrupts the p.Arg2840 amino acid residue in PKHD1. Other variant(s) that disrupt this residue have been determined to be pathogenic (PMID: 15805161, 16133180, 30507656). This suggests that this residue is clinically significant, and that variants that disrupt this residue are likely to be disease-causing. In summary, the currently available evidence indicates that the variant is pathogenic, but additional data are needed to prove that conclusively. Therefore, this variant has been classified as Likely Pathogenic.

GeneDx
Classification: Uncertain significance. Last evaluated: 2025-05-28. Review status: criteria provided, single submitter. Criteria: GeneDx Variant Classification Process June 2021. Collection method: clinical testing. Allele origin: germline. Affected: yes.
Comment: Not observed at significant frequency in large population cohorts (gnomAD); In silico analysis supports a deleterious effect on splicing; In silico analysis suggests that this missense variant does not alter protein structure/function; Has not been previously published as pathogenic or benign to our knowledge; This variant is associated with the following publications: (PMID: 30507656, 15805161, 16133180)

Fulgent Genetics
Classification: Likely pathogenic for Polycystic kidney disease 4. Last evaluated: 2021-09-11. Review status: criteria provided, single submitter. Criteria: ACMG Guidelines, 2015. Collection method: clinical testing. Allele origin: unknown.

Literature cited by the submitters: PubMed 15805161 (cited by Labcorp Genetics (formerly Invitae), Labcorp); PubMed 16133180 (cited by Labcorp Genetics (formerly Invitae), Labcorp); PubMed 30507656 (cited by Labcorp Genetics (formerly Invitae), Labcorp).

NM_138694.4(PKHD1):c.8518C>G (p.Arg2840Gly)

Gene: PKHD1 (PKHD1 ciliary IPT domain containing fibrocystin/polyductin; minus strand). Cytogenetic location: 6p12.3.
Variant type: single nucleotide variant.
Coding change: c.8518C>G on transcript NM_138694.4 (MANE Select); coding-DNA position 8518, C replaced by G.
Protein change: p.Arg2840Gly; replaces arginine 2840 with glycine.
Molecular consequence: missense variant.
Genome position (GRCh38, 1-based): chr6:51,775,844, G>C on the plus strand (C>G on the coding strand, the complement: PKHD1 is on the minus strand). VCF-style: chr6-51775844-G-C. GRCh37 (hg19) VCF-style: chr6-51640642-G-C.
Other names: c.8518C>G, p.Arg2840Gly (NM_170724.3); c.8518C>G (NM_138694.3); short protein forms R2840G.
Identifiers: ClinVar variation 1349138 (VCV001349138.10), dbSNP rs200432861, ClinGen allele CA3851607.